The following is an entry in ClinVar:

ClinVar aggregate classification (germline): Likely benign. Review status: criteria provided, single submitter (1 of 4 stars). 2 submissions from 2 submitters: Likely benign (1). 1 of the submissions does not count toward it. Last evaluated 2025-12-16.

Conditions:
NIPBL-related disorder. Also called: NIPBL-related condition.
Cornelia de Lange syndrome 1 (CDLS1). Also called: NIPBL-Related Cornelia de Lange Syndrome; TYPUS DEGENERATIVUS AMSTELODAMENSIS; Brachmann de Lange syndrome. Identifiers: Orphanet 199, MedGen C4551851, MONDO:0007387, OMIM 122470.

Allele frequency attached by ClinVar (database versions not stated): ExAC 0.00002; gnomAD 0.00002; gnomAD exomes 0.00002; TOPMed 0.00003; 1000 Genomes Project 30x 0.00016; 1000 Genomes Project 0.00020.
gnomAD v4.1: 42 of 1,613,924 alleles (0.0026%); highest among the groups gnomAD compares: Middle Eastern, 0.017%; no homozygotes.

Submissions (2):

Labcorp Genetics (formerly Invitae), Labcorp
Classification: Likely benign for Cornelia de Lange syndrome 1. Last evaluated: 2025-12-16. Review status: criteria provided, single submitter. Criteria: Invitae Variant Classification Sherloc (09022015). Collection method: clinical testing. Allele origin: germline.

PreventionGenetics, part of Exact Sciences
Classification: Likely benign for NIPBL-related condition. Last evaluated: 2020-11-06. Review status: no assertion criteria provided. Collection method: clinical testing. Allele origin: germline. Not counted in ClinVar's aggregate classification.
Comment: This variant is classified as likely benign based on ACMG/AMP sequence variant interpretation guidelines (Richards et al. 2015 PMID: 25741868, with internal and published modifications).

NM_133433.4(NIPBL):c.1920A>G (p.Leu640=)

Gene: NIPBL (NIPBL cohesin loading factor; plus strand). Cytogenetic location: 5p13.2.
Variant type: single nucleotide variant.
Coding change: c.1920A>G on transcript NM_133433.4 (MANE Select); coding-DNA position 1920, A replaced by G.
Protein change: p.Leu640=; no amino-acid change (leucine 640 retained).
Molecular consequence: synonymous variant.
Genome position (GRCh38, 1-based): chr5:36,985,100, A>G. VCF-style: chr5-36985100-A-G. GRCh37 (hg19) VCF-style: chr5-36985202-A-G.
Other names: c.1920A>G (NM_133433.3); c.1920A>G, p.Leu640= (NM_015384.5).
Identifiers: ClinVar variation 2066630 (VCV002066630.6), dbSNP rs530214717, ClinGen allele CA3236102.